The following is an entry in ClinVar:

ClinVar aggregate classification (germline): Uncertain significance (1 of 4 stars; one submission).

Conditions:
Alpha thalassemia-X-linked intellectual disability syndrome (ATRX). Also called: ALPHA-THALASSEMIA/MENTAL RETARDATION SYNDROME, X-LINKED; ATR, NONDELETION TYPE; ATR-X syndrome; Alpha thalassemia mental retardation syndrome, nondeletion type, X-linked; XLMR hypotonic face syndrome; X-linked alpha-thalassemia-mental retardation syndrome. Identifiers: Orphanet 847, MedGen C1845055, MONDO:0010519, OMIM 301040.

Submission:

Labcorp Genetics (formerly Invitae), Labcorp
Classification: Uncertain significance for Alpha thalassemia-X-linked intellectual disability syndrome. Last evaluated: 2024-01-04. Review status: criteria provided, single submitter. Criteria: Invitae Variant Classification Sherloc (09022015). Collection method: clinical testing. Allele origin: germline.
Comment: This sequence change affects codon 1405 of the ATRX mRNA. It is a 'silent' change, meaning that it does not change the encoded amino acid sequence of the ATRX protein. It affects a nucleotide within the consensus splice site. This variant is not present in population databases (gnomAD no frequency). This variant has not been reported in the literature in individuals affected with ATRX-related conditions. Algorithms developed to predict the effect of sequence changes on RNA splicing suggest that this variant is not likely to affect RNA splicing. In summary, the available evidence is currently insufficient to determine the role of this variant in disease. Therefore, it has been classified as a Variant of Uncertain Significance.

NM_000489.6(ATRX):c.4215G>A (p.Arg1405=)

Gene: ATRX (ATRX chromatin remodeler; minus strand). Cytogenetic location: Xq21.1.
Variant type: single nucleotide variant.
Coding change: c.4215G>A on transcript NM_000489.6 (MANE Select); coding-DNA position 4215, G replaced by A.
Protein change: p.Arg1405=; no amino-acid change (arginine 1405 retained).
Molecular consequence: synonymous variant.
Genome position (GRCh38, 1-based): chrX:77,654,200, C>T on the plus strand (G>A on the coding strand, the complement: ATRX is on the minus strand). VCF-style: chrX-77654200-C-T. GRCh37 (hg19) VCF-style: chrX-76909690-C-T.
Other names: c.4101G>A, p.Arg1367= (NM_138270.5).
Identifiers: ClinVar variation 3008845 (VCV003008845.3), dbSNP rs2148451854, ClinGen allele CA517376184.